The following is an entry in ClinVar:

NM_004320.6(ATP2A1):c.57_60del (p.Ser19fs)

Gene: ATP2A1 (ATPase sarcoplasmic/endoplasmic reticulum Ca2+ transporting 1; plus strand). Cytogenetic location: 16p11.2.
Variant type: Microsatellite.
Coding change: c.57_60del on transcript NM_004320.6 (MANE Select); coding-DNA positions 57 to 60, 4 bases deleted (TGAG; older notation c.57_60delTGAG).
Protein change: p.Ser19fs; shifts the reading frame from serine 19.
Molecular consequence: frameshift variant.
Genome position (GRCh38, 1-based): chr16:28,878,728-28,878,731, TGAG deleted; deleting any 4 consecutive bases within chr16:28,878,723-28,878,731 gives the same sequence; the c. name uses the placement nearest the transcript's 3' end. VCF-style (leftmost placement, unchanged base first): chr16-28878722-GGTGA-G. GRCh37 (hg19) VCF-style: chr16-28890043-GGTGA-G.
Other names: c.57_60del, p.Ser19fs (NM_173201.5); short protein forms S19fs.
Identifiers: ClinVar variation 577343 (VCV000577343.8), dbSNP rs770239154, ClinGen allele CA7986480.

ClinVar aggregate classification (germline): Pathogenic/Likely pathogenic. Review status: criteria provided, multiple submitters, no conflicts (2 of 4 stars). 2 submissions from 2 submitters: Pathogenic (1); Likely pathogenic (1). Last evaluated 2025-08-04.

Conditions:
ATP2A1-related disorder. Also called: ATP2A1-related condition.
Brody myopathy. Also called: BRODY DISEASE. Identifiers: Orphanet 53347, MedGen C1832918, MONDO:0010977, OMIM 601003.

Submissions (2):

Labcorp Genetics (formerly Invitae), Labcorp
Classification: Pathogenic for Brody myopathy. Last evaluated: 2025-08-04. Review status: criteria provided, single submitter. Criteria: Invitae Variant Classification Sherloc (09022015). Collection method: clinical testing. Allele origin: germline.
Comment: This sequence change creates a premature translational stop signal (p.Ser19Argfs*34) in the ATP2A1 gene. It is expected to result in an absent or disrupted protein product. Loss-of-function variants in ATP2A1 are known to be pathogenic (PMID: 8841193, 10914677, 23911890). This variant is present in population databases (rs770239154, gnomAD 0.005%). This variant has not been reported in the literature in individuals affected with ATP2A1-related conditions. For these reasons, this variant has been classified as Pathogenic.

Blueprint Genetics
Classification: Likely pathogenic for ATP2A1-related disorders. Last evaluated: 2024-08-02. Review status: criteria provided, single submitter. Criteria: ACMG Guidelines, 2015. Collection method: clinical testing. Allele origin: germline. Affected: yes. Observed: 2 variant alleles.

Literature cited by the submitters: PubMed 8841193 (cited by Labcorp Genetics (formerly Invitae), Labcorp); PubMed 10914677 (cited by Labcorp Genetics (formerly Invitae), Labcorp); PubMed 23911890 (cited by Labcorp Genetics (formerly Invitae), Labcorp).